The following is an entry in ClinVar:

NM_001102401.4(TTI2):c.1160T>A (p.Val387Asp)

Gene: TTI2 (TELO2 interacting protein 2; minus strand). Cytogenetic location: 8p12.
Variant type: single nucleotide variant.
Coding change: c.1160T>A on transcript NM_001102401.4 (MANE Select); coding-DNA position 1160, T replaced by A.
Protein change: p.Val387Asp; replaces valine 387 with aspartic acid.
Molecular consequence: missense variant.
Genome position (GRCh38, 1-based): chr8:33,503,528, A>T on the plus strand (T>A on the coding strand, the complement: TTI2 is on the minus strand). VCF-style: chr8-33503528-A-T. GRCh37 (hg19) VCF-style: chr8-33361046-A-T.
Other names: c.1160T>A, p.Val387Asp (NM_001265581.2, NM_025115.5); c.1067T>A, p.Val356Asp (NM_001330505.3); short protein forms V356D, V387D.
Identifiers: ClinVar variation 3343465 (VCV003343465.2).

ClinVar aggregate classification (germline): Uncertain significance (1 of 4 stars; one submission).

Submission:

GeneDx
Classification: Uncertain significance. Last evaluated: 2025-07-15. Review status: criteria provided, single submitter. Criteria: GeneDx Variant Classification Process June 2021. Collection method: clinical testing. Allele origin: germline.
Comment: Not observed at significant frequency in large population cohorts (gnomAD); In silico analysis supports that this missense variant has a deleterious effect on protein structure/function; Has not been previously published as pathogenic or benign to our knowledge